The following is an entry in ClinVar:

ClinVar aggregate classification (germline): Uncertain significance (1 of 4 stars; one submission).

Allele frequency attached by ClinVar (database versions not stated): gnomAD exomes below 0.00001; ExAC 0.00001; gnomAD 0.00001; TOPMed 0.00001.
gnomAD v4.1: 6 of 1,612,862 alleles (0.00037%); highest among the groups gnomAD compares: Non-Finnish European, 0.00042%; no homozygotes.

Submission:

Labcorp Genetics (formerly Invitae), Labcorp
Classification: Uncertain significance. Last evaluated: 2023-10-19. Review status: criteria provided, single submitter. Criteria: Invitae Variant Classification Sherloc (09022015). Collection method: clinical testing. Allele origin: germline.
Comment: This sequence change replaces threonine, which is neutral and polar, with alanine, which is neutral and non-polar, at codon 1446 of the SRCAP protein (p.Thr1446Ala). This variant is not present in population databases (gnomAD no frequency). This variant has not been reported in the literature in individuals affected with SRCAP-related conditions. Advanced modeling of protein sequence and biophysical properties (such as structural, functional, and spatial information, amino acid conservation, physicochemical variation, residue mobility, and thermodynamic stability) performed at Invitae indicates that this missense variant is not expected to disrupt SRCAP protein function. In summary, the available evidence is currently insufficient to determine the role of this variant in disease. Therefore, it has been classified as a Variant of Uncertain Significance.

NM_006662.3(SRCAP):c.4336A>G (p.Thr1446Ala)

Gene: SRCAP (Snf2 related CREBBP activator protein; plus strand). Cytogenetic location: 16p11.2.
Variant type: single nucleotide variant.
Coding change: c.4336A>G on transcript NM_006662.3 (MANE Select); coding-DNA position 4336, A replaced by G.
Protein change: p.Thr1446Ala; replaces threonine 1446 with alanine.
Molecular consequence: missense variant.
Genome position (GRCh38, 1-based): chr16:30,723,760, A>G. VCF-style: chr16-30723760-A-G. GRCh37 (hg19) VCF-style: chr16-30735081-A-G.
Other names: short protein forms T1446A.
Identifiers: ClinVar variation 2956498 (VCV002956498.3), dbSNP rs764941298, ClinGen allele CA8011724.